The following is an entry in ClinVar:

NM_031220.4(PITPNM3):c.1499A>T (p.Asp500Val)

Gene: PITPNM3 (PITPNM family member 3; minus strand). Cytogenetic location: 17p13.2.
Variant type: single nucleotide variant.
Coding change: c.1499A>T on transcript NM_031220.4 (MANE Select); coding-DNA position 1499, A replaced by T.
Protein change: p.Asp500Val; replaces aspartic acid 500 with valine.
Molecular consequence: missense variant.
Genome position (GRCh38, 1-based): chr17:6,471,286, T>A on the plus strand (A>T on the coding strand, the complement: PITPNM3 is on the minus strand). VCF-style: chr17-6471286-T-A. GRCh37 (hg19) VCF-style: chr17-6374606-T-A.
Other names: c.1391A>T, p.Asp464Val (NM_001165966.2); short protein forms D464V, D500V.
Identifiers: ClinVar variation 2810334 (VCV002810334.3), dbSNP rs2543999133, ClinGen allele CA397405329.

ClinVar aggregate classification (germline): Uncertain significance (1 of 4 stars; one submission).

Submission:

Labcorp Genetics (formerly Invitae), Labcorp
Classification: Uncertain significance. Last evaluated: 2022-10-28. Review status: criteria provided, single submitter. Criteria: Invitae Variant Classification Sherloc (09022015). Collection method: clinical testing. Allele origin: germline.
Comment: This sequence change replaces aspartic acid, which is acidic and polar, with valine, which is neutral and non-polar, at codon 500 of the PITPNM3 protein (p.Asp500Val). This variant is not present in population databases (gnomAD no frequency). This variant has not been reported in the literature in individuals affected with PITPNM3-related conditions. Algorithms developed to predict the effect of missense changes on protein structure and function are either unavailable or do not agree on the potential impact of this missense change (SIFT: "Deleterious"; PolyPhen-2: "Benign"; Align-GVGD: "Class C0"). In summary, the available evidence is currently insufficient to determine the role of this variant in disease. Therefore, it has been classified as a Variant of Uncertain Significance.